The following is an entry in ClinVar:

NM_032607.3(CREB3L3):c.92A>G (p.Asp31Gly)

Gene: CREB3L3 (cAMP responsive element binding protein 3 like 3; plus strand). Cytogenetic location: 19p13.3.
Variant type: single nucleotide variant.
Coding change: c.92A>G on transcript NM_032607.3 (MANE Select); coding-DNA position 92, A replaced by G.
Protein change: p.Asp31Gly; replaces aspartic acid 31 with glycine.
Molecular consequence: missense variant.
Genome position (GRCh38, 1-based): chr19:4,154,963, A>G. VCF-style: chr19-4154963-A-G. GRCh37 (hg19) VCF-style: chr19-4154960-A-G.
Other names: c.92A>G, p.Asp31Gly (NM_001271995.2, NM_001271996.2, NM_001271997.2); short protein forms D31G.
Identifiers: ClinVar variation 4712503 (VCV004712503.1).

ClinVar aggregate classification (germline): Uncertain significance (1 of 4 stars; one submission).

gnomAD v4.1: 1 of 1,613,248 alleles (0.000062%); highest among the groups gnomAD compares: Non-Finnish European, 0.000085%; no homozygotes.

Submission:

Labcorp Genetics (formerly Invitae), Labcorp
Classification: Uncertain significance. Last evaluated: 2025-11-12. Review status: criteria provided, single submitter. Criteria: Invitae Variant Classification Sherloc (09022015). Collection method: clinical testing. Allele origin: germline.
Comment: This sequence change replaces aspartic acid, which is acidic and polar, with glycine, which is neutral and non-polar, at codon 31 of the CREB3L3 protein (p.Asp31Gly). This variant is not present in population databases (gnomAD no frequency). This variant has not been reported in the literature in individuals affected with CREB3L3-related conditions. An algorithm developed to predict the effect of missense changes on protein structure and function (PolyPhen-2) suggests that this variant is likely to be disruptive. In summary, the available evidence is currently insufficient to determine the role of this variant in disease. Therefore, it has been classified as a Variant of Uncertain Significance.